The following is an entry in ClinVar:

NM_001458.5(FLNC):c.874G>A (p.Val292Met)

Gene: FLNC (filamin C; plus strand). Cytogenetic location: 7q32.1.
Variant type: single nucleotide variant.
Coding change: c.874G>A on transcript NM_001458.5 (MANE Select); coding-DNA position 874, G replaced by A.
Protein change: p.Val292Met; replaces valine 292 with methionine.
Molecular consequence: missense variant.
Genome position (GRCh38, 1-based): chr7:128,837,660, G>A. VCF-style: chr7-128837660-G-A. GRCh37 (hg19) VCF-style: chr7-128477714-G-A.
Other names: c.874G>A, p.Val292Met (NM_001127487.2); short protein forms V292M.
Identifiers: ClinVar variation 579295 (VCV000579295.11), dbSNP rs1275499234, ClinGen allele CA369222943.
Genomic context (GRCh38, chr7:128,837,660, plus strand): 5'-CTCCCTGAGTAACCTGGGCTCTGCTCCTGCCCCGTAGGCATCGAGCCACAGGGCAACACC[G>A]TGCTGCAGCCTGCCCACTTCACCGTGCAGACGGTGGACGCGGGCGTGGGCGAGGTGCTGG-3'
Protein context (NP_001449.3, residues 282-302): GPGIEPQGNT[Val292Met]LQPAHFTVQT

ClinVar aggregate classification (germline): Uncertain significance. Review status: criteria provided, multiple submitters, no conflicts (2 of 4 stars). 3 submissions from 3 submitters: Uncertain significance (3). Last evaluated 2025-03-27.

Conditions:
Cardiovascular phenotype. Identifiers: MedGen CN230736.
Hypertrophic cardiomyopathy 26. Also called: Cardiomyopathy, familial hypertrophic, 26. Identifiers: Orphanet 75249, MedGen C4310749, MONDO:0014883, OMIM 617047.
Myofibrillar myopathy 5. Also called: FILAMINOPATHY, AUTOSOMAL DOMINANT; Filaminopathy (type). Identifiers: Orphanet 171445, MedGen C1836050, MONDO:0012289, OMIM 609524.
Distal myopathy with posterior leg and anterior hand involvement. Also called: WILLIAMS DISTAL MYOPATHY. Identifiers: Orphanet 63273, MedGen C3279722, MONDO:0013550, OMIM 614065.

Allele frequency attached by ClinVar (database versions not stated): TOPMed 0.00001; gnomAD 0.00002.
gnomAD v4.1: 11 of 1,612,370 alleles (0.00068%); highest among the groups gnomAD compares: South Asian, 0.0011%; no homozygotes.

Submissions (3):

Ambry Genetics
Classification: Uncertain significance for Cardiovascular phenotype. Last evaluated: 2025-03-27. Review status: criteria provided, single submitter. Criteria: Ambry Variant Classification Scheme 2023. Collection method: clinical testing. Allele origin: germline.
Comment: The p.V292M variant (also known as c.874G>A), located in coding exon 5 of the FLNC gene, results from a G to A substitution at nucleotide position 874. The valine at codon 292 is replaced by methionine, an amino acid with highly similar properties. This amino acid position is highly conserved in available vertebrate species. In addition, the in silico prediction for this alteration is inconclusive. Based on the available evidence, the clinical significance of this variant remains unclear.

Labcorp Genetics (formerly Invitae), Labcorp
Classification: Uncertain significance for Distal myopathy with posterior leg and anterior hand involvement; Myofibrillar myopathy 5; Hypertrophic cardiomyopathy 26. Last evaluated: 2024-12-22. Review status: criteria provided, single submitter. Criteria: Invitae Variant Classification Sherloc (09022015). Collection method: clinical testing. Allele origin: germline.
Comment: This sequence change replaces valine, which is neutral and non-polar, with methionine, which is neutral and non-polar, at codon 292 of the FLNC protein (p.Val292Met). The frequency data for this variant in the population databases is considered unreliable, as metrics indicate poor data quality at this position in the gnomAD database. This variant has not been reported in the literature in individuals affected with FLNC-related conditions. ClinVar contains an entry for this variant (Variation ID: 579295). Invitae Evidence Modeling of protein sequence and biophysical properties (such as structural, functional, and spatial information, amino acid conservation, physicochemical variation, residue mobility, and thermodynamic stability) has been performed for this missense variant. However, the output from this modeling did not meet the statistical confidence thresholds required to predict the impact of this variant on FLNC protein function. In summary, the available evidence is currently insufficient to determine the role of this variant in disease. Therefore, it has been classified as a Variant of Uncertain Significance.

GeneDx
Classification: Uncertain significance. Last evaluated: 2024-01-09. Review status: criteria provided, single submitter. Criteria: GeneDx Variant Classification Process June 2021. Collection method: clinical testing. Allele origin: germline. Affected: yes.
Comment: Has not been previously published as pathogenic or benign to our knowledge; Not observed at significant frequency in large population cohorts (gnomAD); In silico analysis supports that this missense variant has a deleterious effect on protein structure/function